The following is an entry in ClinVar:

NM_031427.4(DNAL1):c.559G>A (p.Glu187Lys)

Gene: DNAL1 (dynein axonemal light chain 1; plus strand). Cytogenetic location: 14q24.3.
Variant type: single nucleotide variant.
Coding change: c.559G>A on transcript NM_031427.4 (MANE Select); coding-DNA position 559, G replaced by A.
Protein change: p.Glu187Lys; replaces glutamic acid 187 with lysine.
Molecular consequence: missense variant.
Genome position (GRCh38, 1-based): chr14:73,695,928, G>A. VCF-style: chr14-73695928-G-A. GRCh37 (hg19) VCF-style: chr14-74162631-G-A.
Other names: c.442G>A, p.Glu148Lys (NM_001201366.2); short protein forms E187K, E148K.
Identifiers: ClinVar variation 2098165 (VCV002098165.4), dbSNP rs2503023554, ClinGen allele CA390337485.

ClinVar aggregate classification (germline): Uncertain significance (1 of 4 stars; one submission).

Conditions:
Primary ciliary dyskinesia 16. Also called: CILIARY DYSKINESIA, PRIMARY, 16, WITH OR WITHOUT SITUS INVERSUS. Identifiers: Orphanet 244, MedGen C3151460, MONDO:0013525, OMIM 614017.

Allele frequency attached by ClinVar (database versions not stated): gnomAD exomes below 0.00001.
gnomAD v4.1: 1 of 1,589,938 alleles (0.000063%); highest among the groups gnomAD compares: South Asian, 0.0011%; no homozygotes.

Submission:

Labcorp Genetics (formerly Invitae), Labcorp
Classification: Uncertain significance for Primary ciliary dyskinesia 16. Last evaluated: 2022-02-18. Review status: criteria provided, single submitter. Criteria: Invitae Variant Classification Sherloc (09022015). Collection method: clinical testing. Allele origin: germline.
Comment: This sequence change replaces glutamic acid, which is acidic and polar, with lysine, which is basic and polar, at codon 187 of the DNAL1 protein (p.Glu187Lys). This variant is not present in population databases (gnomAD no frequency). This variant has not been reported in the literature in individuals affected with DNAL1-related conditions. Algorithms developed to predict the effect of missense changes on protein structure and function are either unavailable or do not agree on the potential impact of this missense change (SIFT: "Deleterious"; PolyPhen-2: "Benign"; Align-GVGD: "Class C0"). In summary, the available evidence is currently insufficient to determine the role of this variant in disease. Therefore, it has been classified as a Variant of Uncertain Significance.